The following is an entry in ClinVar:

NM_001273.5(CHD4):c.279GGA[5] (p.Glu98_Val99insGlu)

Gene: CHD4 (chromodomain helicase DNA binding protein 4; minus strand). Cytogenetic location: 12p13.31.
Variant type: Microsatellite.
Coding change: c.279GGA[5] on transcript NM_001273.5 (MANE Select); five copies in a row of the 3-base unit GGA starting at c.279; the reference has four copies in a row; one copy, 3 bases duplicated.
Protein change: p.Glu98_Val99insGlu.
Molecular consequence: inframe insertion.
Genome position (GRCh38, 1-based): chr12:6,602,108-6,602,110, TCC duplicated on the plus strand (GGA on the coding strand, the reverse complement: CHD4 is on the minus strand); duplicating any 3 consecutive bases within chr12:6,602,108-6,602,119 gives the same sequence; the position shown is the placement nearest the transcript's 3' end. VCF-style (leftmost placement, unchanged base first): chr12-6602107-T-TTCC. GRCh37 (hg19) VCF-style: chr12-6711273-T-TTCC.
Other names: c.258GGA[5], p.Glu91_Val92insGlu (NM_001297553.2); c.279GGA[5], p.Glu98_Val99insGlu (NM_001363606.2).
Identifiers: ClinVar variation 3026284 (VCV003026284.22), dbSNP rs1565619262, ClinGen allele CA603484950.

ClinVar aggregate classification (germline): Uncertain significance (1 of 4 stars; one submission).

Submission:

CeGaT Center for Human Genetics Tuebingen
Classification: Uncertain significance. Last evaluated: 2024-02-01. Review status: criteria provided, single submitter. Criteria: CeGaT Center For Human Genetics Tuebingen Variant Classification Criteria Version 2. Collection method: clinical testing. Allele origin: germline. Affected: yes. Observed: 1 variant allele.
Comment: CHD4: PM4:Supporting